The following is an entry in ClinVar:

NM_006929.5(SKIC2):c.2662_2663del (p.Arg888fs)

Gene: SKIC2 (SKI2 subunit of superkiller complex; plus strand). Cytogenetic location: 6p21.33.
Variant type: Deletion.
Coding change: c.2662_2663del on transcript NM_006929.5 (MANE Select); coding-DNA positions 2662 to 2663, 2 bases deleted (AG; older notation c.2662_2663delAG).
Protein change: p.Arg888fs; shifts the reading frame from arginine 888.
Molecular consequence: frameshift variant.
Genome position (GRCh38, 1-based): chr6:31,967,793-31,967,794, AG deleted. VCF-style (leftmost placement, unchanged base first): chr6-31967792-CAG-C. GRCh37 (hg19) VCF-style: chr6-31935569-CAG-C.
Other names: short protein forms R888fs.
Identifiers: ClinVar variation 869410 (VCV000869410.6), dbSNP rs770099418, ClinGen allele CA3729843.

ClinVar aggregate classification (germline): Pathogenic. Review status: criteria provided, multiple submitters, no conflicts (2 of 4 stars). 2 submissions from 2 submitters: Pathogenic (2). Last evaluated 2025-06-04.

Conditions:
Trichohepatoenteric syndrome 2 (THES2). Identifiers: Orphanet 84064, MedGen C3281289, MONDO:0013818, OMIM 614602.

Allele frequency attached by ClinVar (database versions not stated): ExAC 0.00002; gnomAD exomes 0.00002 and 0.00009; TOPMed 0.00007; gnomAD 0.00009.

Submissions (2):

Labcorp Genetics (formerly Invitae), Labcorp
Classification: Pathogenic. Last evaluated: 2025-06-04. Review status: criteria provided, single submitter. Criteria: Invitae Variant Classification Sherloc (09022015). Collection method: clinical testing. Allele origin: germline.
Comment: This sequence change creates a premature translational stop signal (p.Arg888Glyfs*12) in the SKIV2L gene. It is expected to result in an absent or disrupted protein product. Loss-of-function variants in SKIV2L are known to be pathogenic (PMID: 22444670). This variant is present in population databases (rs770099418, gnomAD 0.004%). This premature translational stop signal has been observed in individual(s) with autosomal recessive trichohepatoenteric syndrome (PMID: 22444670, 32313153). ClinVar contains an entry for this variant (Variation ID: 869410). For these reasons, this variant has been classified as Pathogenic.

Kids Research, The Children's Hospital at Westmead
Classification: Pathogenic for Trichohepatoenteric syndrome 2. Review status: criteria provided, single submitter. Criteria: ACMG Guidelines, 2015. Collection method: research. Allele origin: inherited. Inheritance: Autosomal recessive inheritance. Affected: yes.

Literature cited by the submitters: PubMed 22444670 (cited by Labcorp Genetics (formerly Invitae), Labcorp); PubMed 32313153 (cited by Labcorp Genetics (formerly Invitae), Labcorp and Kids Research, The Children's Hospital at Westmead).